The following is an entry in ClinVar:

NM_006206.6(PDGFRA):c.2880+5G>A

Gene: PDGFRA (platelet derived growth factor receptor alpha; plus strand). Cytogenetic location: 4q12.
Variant type: single nucleotide variant.
Coding change: c.2880+5G>A on transcript NM_006206.6 (MANE Select); 5 bases into the intron after coding-DNA position 2880, G replaced by A.
Molecular consequence: intron variant.
Genome position (GRCh38, 1-based): chr4:54,289,119, G>A. VCF-style: chr4-54289119-G-A. GRCh37 (hg19) VCF-style: chr4-55155286-G-A.
Other names: c.2955+5G>A (NM_001347828.2); c.2880+5G>A (NM_001347829.2, NM_006206.5); c.2919+5G>A (NM_001347830.2).
Identifiers: ClinVar variation 240336 (VCV000240336.18), dbSNP rs370128852, ClinGen allele CA2922968.

ClinVar aggregate classification (germline): Conflicting classifications of pathogenicity. Review status: criteria provided, conflicting classifications (1 of 4 stars). 4 submissions from 4 submitters: Uncertain significance (3); Benign (1). Last evaluated 2026-03-25.

Conditions:
PDGFRA-related disorder. Also called: PDGFRA-related condition.
Hereditary cancer-predisposing syndrome. Also called: Neoplastic Syndromes, Hereditary; Hereditary neoplastic syndrome; Hereditary Cancer Syndrome; Tumor predisposition. Identifiers: Orphanet 140162, MedGen C0027672, MeSH D009386, MONDO:0015356.
Gastrointestinal stromal tumor. Also called: Gastrointestinal stromal tumor, somatic; Gastrointestinal stroma tumor. Identifiers: Orphanet 44890, MedGen C0238198, MeSH D046152, MONDO:0011719, OMIM 606764, HP:0100723.

Allele frequency attached by ClinVar (database versions not stated): gnomAD exomes 0.00001 and 0.00004; ExAC 0.00003; ESP Exome Variant Server 0.00008; gnomAD 0.00010 and 0.00011; TOPMed 0.00010.
gnomAD v4.1: 30 of 1,495,884 alleles (0.002%); highest among the groups gnomAD compares: African/African-American, 0.03%; no homozygotes.

Submissions (5):

PreventionGenetics, part of Exact Sciences
Classification: Uncertain significance for PDGFRA-related condition. Last evaluated: 2026-03-25. Review status: criteria provided, single submitter. Criteria: ACMG Guidelines, 2015. Collection method: clinical testing. Allele origin: germline.
Comment: The PDGFRA c.2880+5G>A variant is predicted to interfere with splicing. To our knowledge, this variant has not been reported in the literature. This variant is reported in 0.036% of alleles in individuals of African descent in gnomAD and has conflicting interpretations regarding its pathogenicity in ClinVar, ranging from benign to uncertain (Variation ID: 240336). At this time, the clinical significance of this variant is uncertain due to the absence of conclusive functional and genetic evidence.

Labcorp Genetics (formerly Invitae), Labcorp
Classification: Uncertain significance for Gastrointestinal stromal tumor. Last evaluated: 2026-01-06. Review status: criteria provided, single submitter. Criteria: Invitae Variant Classification Sherloc (09022015). Collection method: clinical testing. Allele origin: germline.
Comment: This sequence change falls in intron 21 of the PDGFRA gene. It does not directly change the encoded amino acid sequence of the PDGFRA protein. It affects a nucleotide within the consensus splice site. This variant is present in population databases (rs370128852, gnomAD 0.04%), and has an allele count higher than expected for a pathogenic variant. This variant has not been reported in the literature in individuals affected with PDGFRA-related conditions. ClinVar contains an entry for this variant (Variation ID: 240336). Variants that disrupt the consensus splice site are a relatively common cause of aberrant splicing (PMID: 17576681, 9536098). Algorithms developed to predict the effect of sequence changes on RNA splicing suggest that this variant may disrupt the consensus splice site. In summary, the available evidence is currently insufficient to determine the role of this variant in disease. Therefore, it has been classified as a Variant of Uncertain Significance.

Ambry Genetics
Classification: Benign for Hereditary cancer-predisposing syndrome. Last evaluated: 2024-03-20. Review status: criteria provided, single submitter. Criteria: Ambry Variant Classification Scheme 2023. Collection method: clinical testing. Allele origin: germline.

GeneDx
Classification: Uncertain significance. Last evaluated: 2024-01-31. Review status: criteria provided, single submitter. Criteria: GeneDx Variant Classification Process June 2021. Collection method: clinical testing. Allele origin: germline. Affected: yes.
Comment: In silico analysis supports that this variant does not alter splicing; Has not been previously published as pathogenic or benign to our knowledge

Dr. Peter K. Rogan Lab, Western University
No classification provided (evidence only). Condition: Uterine corpus endometrial carcinoma. Review status: no classification provided. Collection method: in vitro. Allele origin: not applicable. Functional consequence: retained intron. Not counted in ClinVar's aggregate classification.

Literature cited by the submitters: PubMed 17576681 (cited by Labcorp Genetics (formerly Invitae), Labcorp); PubMed 9536098 (cited by Labcorp Genetics (formerly Invitae), Labcorp).